The following is an entry in ClinVar:

ClinVar aggregate classification (germline): Uncertain significance. Review status: criteria provided, multiple submitters, no conflicts (2 of 4 stars). 3 submissions from 3 submitters: Uncertain significance (3). Last evaluated 2025-09-02.

Conditions:
Hereditary cancer-predisposing syndrome. Also called: Tumor predisposition; Neoplastic Syndromes, Hereditary; Hereditary Cancer Syndrome; Hereditary neoplastic syndrome. Identifiers: Orphanet 140162, MedGen C0027672, MeSH D009386, MONDO:0015356.
Familial cancer of breast. Also called: Hereditary breast cancer; BREAST CANCER, FAMILIAL; hereditary breast carcinoma. Identifiers: Orphanet 227535, MedGen C0346153, MONDO:0016419, OMIM 114480. Disease mechanism: loss of function.
Ataxia-telangiectasia syndrome (AT). Also called: ATAXIA-TELANGIECTASIA, COMPLEMENTATION GROUP A; ATAXIA-TELANGIECTASIA, FRESNO VARIANT; Ataxia-telangiectasia; Ataxia-telangiectasia, complementation group D; AT, COMPLEMENTATION GROUP C; Ataxia-telangiectasia, complementation group E. Identifiers: Orphanet 100, MedGen C0004135, MONDO:0008840, OMIM 208900.

Submissions (3):

Labcorp Genetics (formerly Invitae), Labcorp
Classification: Uncertain significance for Ataxia-telangiectasia syndrome. Last evaluated: 2025-09-02. Review status: criteria provided, single submitter. Criteria: Invitae Variant Classification Sherloc (09022015). Collection method: clinical testing. Allele origin: germline.
Comment: This sequence change replaces glycine, which is neutral and non-polar, with aspartic acid, which is acidic and polar, at codon 2897 of the ATM protein (p.Gly2897Asp). This variant is not present in population databases (gnomAD no frequency). This variant has not been reported in the literature in individuals affected with ATM-related conditions. ClinVar contains an entry for this variant (Variation ID: 822664). Invitae Evidence Modeling of protein sequence and biophysical properties (such as structural, functional, and spatial information, amino acid conservation, physicochemical variation, residue mobility, and thermodynamic stability) indicates that this missense variant is expected to disrupt ATM protein function with a positive predictive value of 95%. In summary, the available evidence is currently insufficient to determine the role of this variant in disease. Therefore, it has been classified as a Variant of Uncertain Significance.

Fulgent Genetics
Classification: Uncertain significance for Familial cancer of breast; Ataxia-telangiectasia syndrome. Last evaluated: 2021-07-11. Review status: criteria provided, single submitter. Criteria: ACMG Guidelines, 2015. Collection method: clinical testing. Allele origin: unknown.

Ambry Genetics
Classification: Uncertain significance for Hereditary cancer-predisposing syndrome. Last evaluated: 2019-10-15. Review status: criteria provided, single submitter. Criteria: Ambry Variant Classification Scheme 2023. Collection method: clinical testing. Allele origin: germline.
Comment: The p.G2897D variant (also known as c.8690G>A), located in coding exon 59 of the ATM gene, results from a G to A substitution at nucleotide position 8690. The glycine at codon 2897 is replaced by aspartic acid, an amino acid with similar properties. This amino acid position is highly conserved in available vertebrate species. In addition, this alteration is predicted to be deleterious by in silico analysis. Since supporting evidence is limited at this time, the clinical significance of this alteration remains unclear.

NM_000051.4(ATM):c.8690G>A (p.Gly2897Asp)

Genes: C11orf65 (chromosome 11 open reading frame 65; minus strand), ATM (ATM serine/threonine kinase; plus strand). Cytogenetic location: 11q22.3.
Variant type: single nucleotide variant.
Coding change: c.8690G>A on transcript NM_000051.4 (MANE Select); coding-DNA position 8690, G replaced by A.
Protein change: p.Gly2897Asp; replaces glycine 2897 with aspartic acid.
Molecular consequence: missense variant. On other transcripts: intron variant (2).
Genome position (GRCh38, 1-based): chr11:108,353,784, G>A. VCF-style: chr11-108353784-G-A. GRCh37 (hg19) VCF-style: chr11-108224511-G-A.
Other names: c.8690G>A, p.Gly2897Asp (NM_001351834.2); c.640+32136C>T (NM_001330368.2); c.695-18492C>T (NM_001351110.2); short protein forms G2897D.
Identifiers: ClinVar variation 822664 (VCV000822664.10), dbSNP rs1591306536, ClinGen allele CA382523628.